The following is an entry in ClinVar:

NM_018646.6(TRPV6):c.996G>A (p.Leu332=)

Gene: TRPV6 (transient receptor potential cation channel subfamily V member 6; minus strand). Cytogenetic location: 7q34.
Variant type: single nucleotide variant.
Coding change: c.996G>A on transcript NM_018646.6 (MANE Select); coding-DNA position 996, G replaced by A.
Protein change: p.Leu332=; no amino-acid change (leucine 332 retained).
Molecular consequence: synonymous variant.
Genome position (GRCh38, 1-based): chr7:142,875,791, C>T on the plus strand (G>A on the coding strand, the complement: TRPV6 is on the minus strand). VCF-style: chr7-142875791-C-T. GRCh37 (hg19) VCF-style: chr7-142573544-C-T.
Other names: c.996G>A (NM_018646.5).
Identifiers: ClinVar variation 2863015 (VCV002863015.7), dbSNP rs376410525, ClinGen allele CA4532669.

ClinVar aggregate classification (germline): Likely benign. Review status: criteria provided, multiple submitters, no conflicts (2 of 4 stars). 4 submissions from 4 submitters: Likely benign (3). 1 of the submissions does not count toward it. Last evaluated 2026-07-01.

Conditions:
TRPV6-related disorder. Also called: TRPV6-related condition.

Allele frequency attached by ClinVar (database versions not stated): 1000 Genomes Project 30x 0.00031; gnomAD exomes 0.00037; 1000 Genomes Project 0.00040; ESP Exome Variant Server 0.00054.

Submissions (4):

CeGaT Center for Human Genetics Tuebingen
Classification: Likely benign. Last evaluated: 2026-07-01. Review status: criteria provided, single submitter. Criteria: CeGaT Center For Human Genetics Tuebingen Variant Classification Criteria Version 2. Collection method: clinical testing. Allele origin: germline. Affected: yes. Observed: 1 variant allele.
Comment: TRPV6: BP4, BP7

Labcorp Genetics (formerly Invitae), Labcorp
Classification: Likely benign. Last evaluated: 2026-01-23. Review status: criteria provided, single submitter. Criteria: Invitae Variant Classification Sherloc (09022015). Collection method: clinical testing. Allele origin: germline.

Blueprint Genetics
Classification: Likely benign. Last evaluated: 2024-11-07. Review status: criteria provided, single submitter. Criteria: ACMG Guidelines, 2015. Collection method: clinical testing. Allele origin: germline.

PreventionGenetics, part of Exact Sciences
Classification: Likely benign for TRPV6-related condition. Last evaluated: 2019-02-27. Review status: no assertion criteria provided. Collection method: clinical testing. Allele origin: germline. Not counted in ClinVar's aggregate classification.
Comment: This variant is classified as likely benign based on ACMG/AMP sequence variant interpretation guidelines (Richards et al. 2015 PMID: 25741868, with internal and published modifications).